The following is an entry in ClinVar:

NM_000551.4(VHL):c.464-1013G>C

Genes: VHL (von Hippel-Lindau tumor suppressor; plus strand), LOC107303340 (3p25 von Hippel-Lindau tumor suppressor, E3 ubiquitin protein ligase Alu-mediated recombination region; plus strand). Cytogenetic location: 3p25.3.
Variant type: single nucleotide variant.
Coding change: c.464-1013G>C on transcript NM_000551.4 (MANE Select); 1013 bases into the intron before coding-DNA position 464, G replaced by C.
Molecular consequence: intron variant.
Genome position (GRCh38, 1-based): chr3:10,148,774, G>C. VCF-style: chr3-10148774-G-C. GRCh37 (hg19) VCF-style: chr3-10190458-G-C.
Other names: c.*18-1013G>C (NM_001354723.2); c.341-1013G>C (NM_198156.3).
Identifiers: ClinVar variation 2578933 (VCV002578933.25), dbSNP rs189039866, ClinGen allele CA11466982.

ClinVar aggregate classification (germline): Likely benign (1 of 4 stars; one submission).

Allele frequency attached by ClinVar (database versions not stated): 1000 Genomes Project 0.00180; 1000 Genomes Project 30x 0.00203; TOPMed 0.00623.
gnomAD v4.1: 835 of 150,364 alleles (0.56%); highest among the groups gnomAD compares: Middle Eastern, 1.4%; 8 homozygotes.

Submission:

CeGaT Center for Human Genetics Tuebingen
Classification: Likely benign. Last evaluated: 2026-09-01. Review status: criteria provided, single submitter. Criteria: CeGaT Center For Human Genetics Tuebingen Variant Classification Criteria Version 2. Collection method: clinical testing. Allele origin: germline. Affected: yes. Observed: 148 variant alleles.
Comment: VHL: BS2